The following is an entry in ClinVar:

ClinVar aggregate classification (germline): Uncertain significance. Review status: criteria provided, multiple submitters, no conflicts (2 of 4 stars). 2 submissions from 2 submitters: Uncertain significance (2). Last evaluated 2025-07-28.

Conditions:
Oligodontia-cancer predisposition syndrome. Also called: TOOTH AGENESIS-COLORECTAL CANCER SYNDROME. Identifiers: Orphanet 300576, MedGen C1837750, MONDO:0012075, OMIM 608615. Disease mechanism: loss of function.
Hereditary cancer-predisposing syndrome. Also called: Tumor predisposition; Hereditary neoplastic syndrome; Hereditary Cancer Syndrome; Neoplastic Syndromes, Hereditary. Identifiers: Orphanet 140162, MedGen C0027672, MeSH D009386, MONDO:0015356.

Allele frequency attached by ClinVar (database versions not stated): gnomAD exomes below 0.00001.
gnomAD v4.1: 1 of 1,613,630 alleles (0.000062%); highest among the groups gnomAD compares: Non-Finnish European, 0.000085%; no homozygotes.

Submissions (2):

Ambry Genetics
Classification: Uncertain significance for Hereditary cancer-predisposing syndrome. Last evaluated: 2025-07-28. Review status: criteria provided, single submitter. Criteria: Ambry Variant Classification Scheme 2023. Collection method: clinical testing. Allele origin: germline.
Comment: The p.E699K variant (also known as c.2095G>A), located in coding exon 7 of the AXIN2 gene, results from a G to A substitution at nucleotide position 2095. The glutamic acid at codon 699 is replaced by lysine, an amino acid with similar properties. This amino acid position is highly conserved in available vertebrate species. In addition, this alteration is predicted to be deleterious by in silico analysis. Since supporting evidence is limited at this time, the clinical significance of this alteration remains unclear.

Labcorp Genetics (formerly Invitae), Labcorp
Classification: Uncertain significance for Oligodontia-cancer predisposition syndrome. Last evaluated: 2018-01-18. Review status: criteria provided, single submitter. Criteria: Invitae Variant Classification Sherloc (09022015). Collection method: clinical testing. Allele origin: germline.
Comment: In summary, the available evidence is currently insufficient to determine the role of this variant in disease. Therefore, it has been classified as a Variant of Uncertain Significance. Algorithms developed to predict the effect of missense changes on protein structure and function do not agree on the potential impact of this missense change (SIFT: "Tolerated"; PolyPhen-2: "Probably Damaging"; Align-GVGD: "Class C0"). This variant has not been reported in the literature in individuals with AXIN2-related disease. This variant is not present in population databases (ExAC no frequency). This sequence change replaces glutamic acid with lysine at codon 699 of the AXIN2 protein (p.Glu699Lys). The glutamic acid residue is highly conserved and there is a small physicochemical difference between glutamic acid and lysine.

NM_004655.4(AXIN2):c.2095G>A (p.Glu699Lys)

Gene: AXIN2 (axin 2; minus strand). Cytogenetic location: 17q24.1.
Variant type: single nucleotide variant.
Coding change: c.2095G>A on transcript NM_004655.4 (MANE Select); coding-DNA position 2095, G replaced by A.
Protein change: p.Glu699Lys; replaces glutamic acid 699 with lysine.
Molecular consequence: missense variant.
Genome position (GRCh38, 1-based): chr17:65,536,366, C>T on the plus strand (G>A on the coding strand, the complement: AXIN2 is on the minus strand). VCF-style: chr17-65536366-C-T. GRCh37 (hg19) VCF-style: chr17-63532484-C-T.
Other names: c.1900G>A, p.Glu634Lys (NM_001363813.1); c.2095G>A (LRG_296t1); short protein forms E699K, E634K.
Identifiers: ClinVar variation 578318 (VCV000578318.12), dbSNP rs1567754013, ClinGen allele CA400675999.
Genomic context (GRCh38, chr17:65,536,366, plus strand): 5'-TCACTTCCACTCACCGCTGCTTTGGGGGCTTCGACACCTCAGCTAGCCTGCGACAGGCCT[C>T]CTCCAGCTGAGCCAGCGTGTTGGGTGGGGTCAGGGGAGGCATCGCAGGGTCCTGGGTGAA-3'
Protein context (NP_004646.3, residues 689-709): TPPNTLAQLE[Glu699Lys]ACRRLAEVSK